The following is an entry in ClinVar:

NM_003718.5(CDK13):c.641G>T (p.Arg214Leu)

Gene: CDK13 (cyclin dependent kinase 13; plus strand). Cytogenetic location: 7p14.1.
Variant type: single nucleotide variant.
Coding change: c.641G>T on transcript NM_003718.5 (MANE Select); coding-DNA position 641, G replaced by T.
Protein change: p.Arg214Leu; replaces arginine 214 with leucine.
Molecular consequence: missense variant.
Genome position (GRCh38, 1-based): chr7:39,951,282, G>T. VCF-style: chr7-39951282-G-T. GRCh37 (hg19) VCF-style: chr7-39990881-G-T.
Other names: c.641G>T, p.Arg214Leu (NM_031267.4); short protein forms R214L.
Identifiers: ClinVar variation 3234667 (VCV003234667.20), dbSNP rs1787176336, ClinGen allele CA367310165.
Genomic context (GRCh38, chr7:39,951,282, plus strand): 5'-CGGAGCGCAGGCCCCGCCGGGACCGCCGCAGCAGCAGTGGCCGCAGCAAGGAGCGCCACC[G>T]CGAGCACCGGCGGCGGGATGGGCAGCGCGGTGGCAGCGAGGCCTCCAAGTCCCGCAGCCG-3'
Protein context (NP_003709.3, residues 204-224): SSSGRSKERH[Arg214Leu]EHRRRDGQRG

ClinVar aggregate classification (germline): Uncertain significance (1 of 4 stars; one submission).

Submission:

CeGaT Center for Human Genetics Tuebingen
Classification: Uncertain significance. Last evaluated: 2024-04-01. Review status: criteria provided, single submitter. Criteria: CeGaT Center For Human Genetics Tuebingen Variant Classification Criteria Version 2. Collection method: clinical testing. Allele origin: germline. Affected: yes. Observed: 1 variant allele.
Comment: CDK13: PM2, PP2